The following is an entry in ClinVar:

NM_201596.3(CACNB2):c.1925T>G (p.Ile642Arg)

Gene: CACNB2 (calcium voltage-gated channel auxiliary subunit beta 2; plus strand). Cytogenetic location: 10p12.31.
Variant type: single nucleotide variant.
Coding change: c.1925T>G on transcript NM_201596.3 (MANE Select); coding-DNA position 1925, T replaced by G.
Protein change: p.Ile642Arg; replaces isoleucine 642 with arginine.
Molecular consequence: missense variant.
Genome position (GRCh38, 1-based): chr10:18,539,666, T>G. VCF-style: chr10-18539666-T-G. GRCh37 (hg19) VCF-style: chr10-18828595-T-G.
Other names: c.1760T>G, p.Ile587Arg (NM_000724.4); c.1727T>G, p.Ile576Arg (NM_001167945.2); c.1646T>G, p.Ile549Arg (NM_001330060.2); c.1667T>G, p.Ile556Arg (NM_001410882.1); c.1781T>G, p.Ile594Arg (NM_201570.3); c.1841T>G, p.Ile614Arg (NM_201571.4); c.1769T>G, p.Ile590Arg (NM_201572.4); c.1763T>G, p.Ile588Arg (NM_201590.3); and 2 more; short protein forms I549R, I556R, I576R, I614R, I588R, I590R, I594R, I587R.
Identifiers: ClinVar variation 1779629 (VCV001779629.2), dbSNP rs1554843232, ClinGen allele CA376072837.

ClinVar aggregate classification (germline): Uncertain significance (1 of 4 stars; one submission).

Conditions:
Cardiovascular phenotype. Identifiers: MedGen CN230736.

Submission:

Ambry Genetics
Classification: Uncertain significance for Cardiovascular phenotype. Last evaluated: 2022-05-30. Review status: criteria provided, single submitter. Criteria: Ambry Variant Classification Scheme 2023. Collection method: clinical testing. Allele origin: germline.
Comment: The p.I588R variant (also known as c.1763T>G), located in coding exon 13 of the CACNB2 gene, results from a T to G substitution at nucleotide position 1763. The isoleucine at codon 588 is replaced by arginine, an amino acid with similar properties. This amino acid position is conserved. In addition, the in silico prediction for this alteration is inconclusive. Since supporting evidence is limited at this time, the clinical significance of this alteration remains unclear.